The following is an entry in ClinVar:

ClinVar aggregate classification (germline): Uncertain significance (1 of 4 stars; one submission).

gnomAD v4.1: 3 of 1,613,988 alleles (0.00019%); highest among the groups gnomAD compares: South Asian, 0.0033%; no homozygotes.

Submission:

GeneDx
Classification: Uncertain significance. Last evaluated: 2025-03-03. Review status: criteria provided, single submitter. Criteria: GeneDx Variant Classification Process June 2021. Collection method: clinical testing. Allele origin: germline. Affected: yes.
Comment: Not observed at significant frequency in large population cohorts (gnomAD); In silico analysis supports that this missense variant has a deleterious effect on protein structure/function; Has not been previously published as pathogenic or benign to our knowledge

NM_018062.4(FANCL):c.590T>C (p.Leu197Pro)

Gene: FANCL (FA complementation group L; minus strand). Cytogenetic location: 2p16.1.
Variant type: single nucleotide variant.
Coding change: c.590T>C on transcript NM_018062.4 (MANE Select); coding-DNA position 590, T replaced by C.
Protein change: p.Leu197Pro; replaces leucine 197 with proline.
Molecular consequence: missense variant. On other transcripts: non-coding transcript variant (2).
Genome position (GRCh38, 1-based): chr2:58,165,825, A>G on the plus strand (T>C on the coding strand, the complement: FANCL is on the minus strand). VCF-style: chr2-58165825-A-G. GRCh37 (hg19) VCF-style: chr2-58392960-A-G.
Other names: c.605T>C, p.Leu202Pro (NM_001114636.2, NM_001438890.1); c.635T>C, p.Leu212Pro (NM_001374615.1, NM_001438889.1); c.650T>C, p.Leu217Pro (NM_001410792.1); c.590T>C, p.Leu197Pro (NM_001438891.1); c.146T>C, p.Leu49Pro (NM_001438892.1); short protein forms L197P, L202P, L212P, L217P, L49P.
Identifiers: ClinVar variation 4082911 (VCV004082911.1).